The following is an entry in ClinVar:

NM_000548.5(TSC2):c.297C>G (p.His99Gln)

Gene: TSC2 (TSC complex subunit 2; plus strand). Cytogenetic location: 16p13.3.
Variant type: single nucleotide variant.
Coding change: c.297C>G on transcript NM_000548.5 (MANE Select); coding-DNA position 297, C replaced by G.
Protein change: p.His99Gln; replaces histidine 99 with glutamine.
Molecular consequence: missense variant. On other transcripts: 5 prime UTR variant (14), non-coding transcript variant (5), intron variant (9).
Genome position (GRCh38, 1-based): chr16:2,053,413, C>G. VCF-style: chr16-2053413-C-G. GRCh37 (hg19) VCF-style: chr16-2103414-C-G.
Other names: c.297C>G, p.His99Gln (NM_001077183.3, NM_001114382.3, NM_001363528.2 and 10 more transcripts); c.150C>G, p.His50Gln (NM_001318829.2, NM_001406675.1, NM_001406676.1 and 2 more transcripts); c.330C>G, p.His110Gln (NM_001318832.2); c.-520C>G (NM_001406680.1, NM_001406683.1, NM_001406687.1); c.-149C>G (NM_001406681.1); c.-1135C>G (NM_001406689.1, NM_001406690.1, NM_001406691.1 and 2 more transcripts); c.-1441C>G (NM_001406693.1); c.-1016C>G (NM_001406694.1, NM_001406695.1); and 4 more; short protein forms H50Q, H110Q, H99Q.
Identifiers: ClinVar variation 4192120 (VCV004192120.1).

ClinVar aggregate classification (germline): Uncertain significance (1 of 4 stars; one submission).

Conditions:
Hereditary cancer-predisposing syndrome. Also called: Neoplastic Syndromes, Hereditary; Tumor predisposition; Hereditary Cancer Syndrome; Hereditary neoplastic syndrome. Identifiers: Orphanet 140162, MedGen C0027672, MeSH D009386, MONDO:0015356.

Submission:

Ambry Genetics
Classification: Uncertain significance for Hereditary cancer-predisposing syndrome. Last evaluated: 2025-08-18. Review status: criteria provided, single submitter. Criteria: Ambry Variant Classification Scheme 2023. Collection method: clinical testing. Allele origin: germline.
Comment: The p.H99Q variant (also known as c.297C>G), located in coding exon 3 of the TSC2 gene, results from a C to G substitution at nucleotide position 297. The histidine at codon 99 is replaced by glutamine, an amino acid with highly similar properties. This amino acid position is highly conserved in available vertebrate species. In addition, this alteration is predicted to be tolerated by in silico analysis. Based on the available evidence, the clinical significance of this variant remains unclear.